The following is an entry in ClinVar:

ClinVar aggregate classification (germline): Uncertain significance (1 of 4 stars; one submission).

Conditions:
Wilms tumor 1 (WT1). Also called: Wilms tumor, somatic. Identifiers: Orphanet 654, MedGen CN033288, MONDO:0008679, OMIM 194070.
11p partial monosomy syndrome (WAGR). Also called: WAGR Spectrum Disorder; WAGR syndrome; CHROMOSOME 11p13 DELETION SYNDROME; WAGR Complex. Identifiers: Orphanet 893, MedGen C0206115, MONDO:0008681, OMIM 194072.
Drash syndrome (DDS). Also called: NEPHROPATHY, WILMS TUMOR, AND GENITAL ANOMALIES; WILMS TUMOR AND PSEUDO- OR TRUE HERMAPHRODITISM. Identifiers: Orphanet 220, MedGen C0950121, MONDO:0008682, OMIM 194080.
Frasier syndrome. Identifiers: Orphanet 347, MedGen C0950122, MeSH D052159, MONDO:0007635, OMIM 136680.

Submission:

Labcorp Genetics (formerly Invitae), Labcorp
Classification: Uncertain significance for Wilms tumor 1; Drash syndrome; 11p partial monosomy syndrome; Frasier syndrome. Last evaluated: 2022-02-28. Review status: criteria provided, single submitter. Criteria: Invitae Variant Classification Sherloc (09022015). Collection method: clinical testing. Allele origin: germline.
Comment: In summary, the available evidence is currently insufficient to determine the role of this variant in disease. Therefore, it has been classified as a Variant of Uncertain Significance. Algorithms developed to predict the effect of missense changes on protein structure and function (SIFT, PolyPhen-2, Align-GVGD) all suggest that this variant is likely to be disruptive. This variant has not been reported in the literature in individuals affected with WT1-related conditions. This variant is not present in population databases (gnomAD no frequency). This sequence change replaces asparagine, which is neutral and polar, with threonine, which is neutral and polar, at codon 509 of the WT1 protein (p.Asn509Thr).

NM_024426.6(WT1):c.1541A>C (p.Asn514Thr)

Gene: WT1 (WT1 transcription factor; minus strand). Cytogenetic location: 11p13.
Variant type: single nucleotide variant.
Coding change: c.1541A>C on transcript NM_024426.6 (MANE Select); coding-DNA position 1541, A replaced by C.
Protein change: p.Asn514Thr; replaces asparagine 514 with threonine.
Molecular consequence: missense variant. On other transcripts: non-coding transcript variant (1).
Genome position (GRCh38, 1-based): chr11:32,389,086, T>G on the plus strand (A>C on the coding strand, the complement: WT1 is on the minus strand). VCF-style: chr11-32389086-T-G. GRCh37 (hg19) VCF-style: chr11-32410632-T-G.
Other names: c.1481A>C, p.Asn494Thr (NM_000378.6); c.881A>C, p.Asn294Thr (NM_001198551.2); c.839A>C, p.Asn280Thr (NM_001198552.2); c.353A>C, p.Asn118Thr (NM_001367854.1); c.1526A>C, p.Asn509Thr (NM_001407044.1); c.1490A>C, p.Asn497Thr (NM_001407045.1); c.1448A>C, p.Asn483Thr (NM_001407046.1); c.1409A>C, p.Asn470Thr (NM_001407047.1); and 6 more; short protein forms N294T, N456T, N467T, N509T, N511T, N466T, N470T, N492T.
Identifiers: ClinVar variation 2104308 (VCV002104308.4), dbSNP rs1554938531, ClinGen allele CA379957493.